The following is an entry in ClinVar:

ClinVar aggregate classification (germline): Uncertain significance (1 of 4 stars; one submission).

gnomAD v4.1: 18 of 1,556,544 alleles (0.0012%); highest among the groups gnomAD compares: South Asian, 0.022%; no homozygotes.

Submission:

Labcorp Genetics (formerly Invitae), Labcorp
Classification: Uncertain significance. Last evaluated: 2024-05-31. Review status: criteria provided, single submitter. Criteria: Invitae Variant Classification Sherloc (09022015). Collection method: clinical testing. Allele origin: germline.
Comment: This sequence change replaces valine, which is neutral and non-polar, with leucine, which is neutral and non-polar, at codon 622 of the MKL1 protein (p.Val622Leu). This variant is present in population databases (rs760354553, gnomAD 0.01%). This variant has not been reported in the literature in individuals affected with MKL1-related conditions. An algorithm developed to predict the effect of missense changes on protein structure and function (PolyPhen-2) suggests that this variant is likely to be tolerated. In summary, the available evidence is currently insufficient to determine the role of this variant in disease. Therefore, it has been classified as a Variant of Uncertain Significance.

NM_020831.6(MRTFA):c.2164G>C (p.Val722Leu)

Gene: MRTFA (myocardin related transcription factor A; minus strand). Cytogenetic location: 22q13.1.
Variant type: single nucleotide variant.
Coding change: c.2164G>C on transcript NM_020831.6 (MANE Select); coding-DNA position 2164, G replaced by C.
Protein change: p.Val722Leu; replaces valine 722 with leucine.
Molecular consequence: missense variant.
Genome position (GRCh38, 1-based): chr22:40,418,574, C>G on the plus strand (G>C on the coding strand, the complement: MRTFA is on the minus strand). VCF-style: chr22-40418574-C-G. GRCh37 (hg19) VCF-style: chr22-40814578-C-G.
Other names: c.1864G>C, p.Val622Leu (NM_001282660.2); c.2014G>C, p.Val672Leu (NM_001282661.3); c.2164G>C, p.Val722Leu (NM_001282662.3); c.1969G>C, p.Val657Leu (NM_001318139.2); short protein forms V672L, V622L, V657L, V722L.
Identifiers: ClinVar variation 3685538 (VCV003685538.2).
Genomic context (GRCh38, chr22:40,418,574, plus strand): 5'-GAAGCAACTGGGGGGCGGGGACCGGCTCGGGCTCAGGCTGCAAGGCTTCCTGCTTCACCA[C>G]CACGGACGGGGGCCCCGGGGCCACAGCACAAGGGTCTATGTGGTTGGTGGCTGGGGCCGC-3'
Protein context (NP_065882.2, residues 712-732): CAVAPGPPSV[Val722Leu]VKQEALQPEP